The following is an entry in ClinVar:

ClinVar aggregate classification (germline): Uncertain significance (1 of 4 stars; one submission).

Allele frequency attached by ClinVar (database versions not stated): gnomAD exomes 0.00001; TOPMed 0.00002.
gnomAD v4.1: 11 of 1,550,320 alleles (0.00071%); highest among the groups gnomAD compares: Admixed American, 0.002%; no homozygotes.

Submission:

Labcorp Genetics (formerly Invitae), Labcorp
Classification: Uncertain significance. Last evaluated: 2022-06-12. Review status: criteria provided, single submitter. Criteria: Invitae Variant Classification Sherloc (09022015). Collection method: clinical testing. Allele origin: germline.
Comment: This sequence change replaces glycine, which is neutral and non-polar, with arginine, which is basic and polar, at codon 47 of the ARHGEF18 protein (p.Gly47Arg). This variant is present in population databases (no rsID available, gnomAD 0.004%). This variant has not been reported in the literature in individuals affected with ARHGEF18-related conditions. ClinVar contains an entry for this variant (Variation ID: 1016671). Algorithms developed to predict the effect of missense changes on protein structure and function output the following: SIFT: "Deleterious"; PolyPhen-2: "Benign"; Align-GVGD: "Class C0". The arginine amino acid residue is found in multiple mammalian species, which suggests that this missense change does not adversely affect protein function. In summary, the available evidence is currently insufficient to determine the role of this variant in disease. Therefore, it has been classified as a Variant of Uncertain Significance.

NM_001367823.1(ARHGEF18):c.968-265G>C

Gene: ARHGEF18 (Rho/Rac guanine nucleotide exchange factor 18; plus strand). Cytogenetic location: 19p13.2.
Variant type: single nucleotide variant.
Coding change: c.968-265G>C on transcript NM_001367823.1 (MANE Select); 265 bases into the intron before coding-DNA position 968, G replaced by C.
Molecular consequence: intron variant. On other transcripts: 5 prime UTR variant (1).
Genome position (GRCh38, 1-based): chr19:7,440,079, G>C. VCF-style: chr19-7440079-G-C. GRCh37 (hg19) VCF-style: chr19-7504965-G-C.
Other names: c.-24G>C (NM_001130955.2); c.-226-110G>C (NM_001367824.1); c.-71-265G>C (NM_015318.4).
Identifiers: ClinVar variation 1016671 (VCV001016671.8), dbSNP rs1049072316, ClinGen allele CA304877431.